The following is an entry in ClinVar:

ClinVar aggregate classification (germline): Conflicting classifications of pathogenicity. Review status: criteria provided, conflicting classifications (1 of 4 stars). 3 submissions from 3 submitters: Uncertain significance (2); Likely benign (1). Last evaluated 2025-12-15.

Conditions:
Inborn genetic diseases. Identifiers: MedGen C0950123, MeSH D030342.

Allele frequency attached by ClinVar (database versions not stated): 1000 Genomes Project below 0.00001; gnomAD exomes 0.00001 and 0.00003; ExAC 0.00004; ESP Exome Variant Server 0.00008; gnomAD 0.00014 and 0.00016; TOPMed 0.00019.
gnomAD v4.1: 48 of 1,611,562 alleles (0.003%); highest among the groups gnomAD compares: African/African-American, 0.044%; no homozygotes.

Submissions (3):

Labcorp Genetics (formerly Invitae), Labcorp
Classification: Uncertain significance. Last evaluated: 2025-12-15. Review status: criteria provided, single submitter. Criteria: Invitae Variant Classification Sherloc (09022015). Collection method: clinical testing. Allele origin: germline.
Comment: This sequence change replaces glycine, which is neutral and non-polar, with arginine, which is basic and polar, at codon 159 of the STX16 protein (p.Gly159Arg). This variant is present in population databases (rs200474760, gnomAD 0.06%), and has an allele count higher than expected for a pathogenic variant. This variant has not been reported in the literature in individuals affected with STX16-related conditions. ClinVar contains an entry for this variant (Variation ID: 423069). Invitae Evidence Modeling of protein sequence and biophysical properties (such as structural, functional, and spatial information, amino acid conservation, physicochemical variation, residue mobility, and thermodynamic stability) indicates that this missense variant is not expected to disrupt STX16 protein function with a negative predictive value of 80%. In summary, the available evidence is currently insufficient to determine the role of this variant in disease. Therefore, it has been classified as a Variant of Uncertain Significance.

GeneDx
Classification: Uncertain significance. Last evaluated: 2025-10-07. Review status: criteria provided, single submitter. Criteria: GeneDx Variant Classification Process June 2021. Collection method: clinical testing. Allele origin: germline. Affected: yes.
Comment: In silico analysis suggests that this missense variant does not alter protein structure/function; Has not been previously published as pathogenic or benign to our knowledge

Ambry Genetics
Classification: Likely benign for Inborn genetic diseases. Last evaluated: 2024-06-17. Review status: criteria provided, single submitter. Criteria: Ambry Variant Classification Scheme 2023. Collection method: clinical testing. Allele origin: germline.

NM_001001433.3(STX16):c.475G>A (p.Gly159Arg)

Genes: STX16 (syntaxin 16; plus strand), STX16-NPEPL1 (STX16-NPEPL1 readthrough (NMD candidate); plus strand). Cytogenetic location: 20q13.32.
Variant type: single nucleotide variant.
Coding change: c.475G>A on transcript NM_001001433.3 (MANE Select); coding-DNA position 475, G replaced by A.
Protein change: p.Gly159Arg; replaces glycine 159 with arginine.
Molecular consequence: missense variant. On other transcripts: non-coding transcript variant (1).
Genome position (GRCh38, 1-based): chr20:58,669,372, G>A. VCF-style: chr20-58669372-G-A. GRCh37 (hg19) VCF-style: chr20-57244428-G-A.
Other names: c.463G>A, p.Gly155Arg (NM_001134772.3); c.424G>A, p.Gly142Arg (NM_001134773.3); c.316G>A, p.Gly106Arg (NM_001204868.2); c.412G>A, p.Gly138Arg (NM_003763.6); short protein forms G159R, G106R, G155R, G142R, G138R.
Identifiers: ClinVar variation 423069 (VCV000423069.5), dbSNP rs200474760, ClinGen allele CA9925330.